The following is an entry in ClinVar:

ClinVar aggregate classification (germline): Conflicting classifications of pathogenicity. Review status: criteria provided, conflicting classifications (1 of 4 stars). 2 submissions from 2 submitters: Uncertain significance (1); Likely benign (1). Last evaluated 2022-11-03.

Allele frequency attached by ClinVar (database versions not stated): ExAC below 0.00001; gnomAD exomes 0.00001 and 0.00002; gnomAD 0.00002; TOPMed 0.00003.
gnomAD v4.1: 14 of 1,549,244 alleles (0.0009%); highest among the groups gnomAD compares: Admixed American, 0.0078%; no homozygotes.

Submissions (2):

Labcorp Genetics (formerly Invitae), Labcorp
Classification: Uncertain significance. Last evaluated: 2022-11-03. Review status: criteria provided, single submitter. Criteria: Invitae Variant Classification Sherloc (09022015). Collection method: clinical testing. Allele origin: germline.
Comment: This variant is present in population databases (rs756062623, gnomAD 0.008%). In summary, the available evidence is currently insufficient to determine the role of this variant in disease. Therefore, it has been classified as a Variant of Uncertain Significance. Variants that disrupt the consensus splice site are a relatively common cause of aberrant splicing (PMID: 17576681, 9536098). Algorithms developed to predict the effect of sequence changes on RNA splicing suggest that this variant is not likely to affect RNA splicing. ClinVar contains an entry for this variant (Variation ID: 971722). This variant has not been reported in the literature in individuals affected with DHX38-related conditions. This sequence change falls in intron 11 of the DHX38 gene. It does not directly change the encoded amino acid sequence of the DHX38 protein. It affects a nucleotide within the consensus splice site.

Blueprint Genetics
Classification: Likely benign. Last evaluated: 2021-05-31. Review status: criteria provided, single submitter. Criteria: ACMG Guidelines, 2015. Collection method: clinical testing. Allele origin: germline.

Literature cited by the submitters: PubMed 17576681 (cited by Labcorp Genetics (formerly Invitae), Labcorp); PubMed 9536098 (cited by Labcorp Genetics (formerly Invitae), Labcorp).

NM_014003.4(DHX38):c.1499+6C>T

Gene: DHX38 (DEAH-box helicase 38; plus strand). Cytogenetic location: 16q22.2.
Variant type: single nucleotide variant.
Coding change: c.1499+6C>T on transcript NM_014003.4 (MANE Select); 6 bases into the intron after coding-DNA position 1499, C replaced by T.
Molecular consequence: intron variant.
Genome position (GRCh38, 1-based): chr16:72,101,618, C>T. VCF-style: chr16-72101618-C-T. GRCh37 (hg19) VCF-style: chr16-72135517-C-T.
Identifiers: ClinVar variation 971722 (VCV000971722.6), dbSNP rs756062623, ClinGen allele CA8160324.